The following is an entry in ClinVar:

ClinVar aggregate classification (germline): Likely pathogenic (1 of 4 stars; one submission).

Conditions:
Glycogen storage disease, type V (GSD5). Also called: MCARDLE DISEASE; MUSCLE GLYCOGEN PHOSPHORYLASE DEFICIENCY; MYOPHOSPHORYLASE DEFICIENCY; PYGM DEFICIENCY; McArdle type glycogen storage disease. Identifiers: Orphanet 368, MedGen C0017924, MONDO:0009293, OMIM 232600.

Submission:

Labcorp Genetics (formerly Invitae), Labcorp
Classification: Likely pathogenic for Glycogen storage disease, type V. Last evaluated: 2023-01-19. Review status: criteria provided, single submitter. Criteria: Invitae Variant Classification Sherloc (09022015). Collection method: clinical testing. Allele origin: germline.
Comment: In summary, the currently available evidence indicates that the variant is pathogenic, but additional data are needed to prove that conclusively. Therefore, this variant has been classified as Likely Pathogenic. This sequence change affects a donor splice site in intron 13 of the PYGM gene. It is expected to disrupt RNA splicing. Variants that disrupt the donor or acceptor splice site typically lead to a loss of protein function (PMID: 16199547), and loss-of-function variants in PYGM are known to be pathogenic (PMID: 8316268, 16786513). This variant is not present in population databases (gnomAD no frequency). This variant has not been reported in the literature in individuals affected with PYGM-related conditions. Algorithms developed to predict the effect of sequence changes on RNA splicing suggest that this variant may disrupt the consensus splice site.

Literature cited by the submitters: PubMed 16199547; PubMed 8316268; PubMed 16786513.

NM_005609.4(PYGM):c.1620+1G>T

Gene: PYGM (glycogen phosphorylase, muscle associated; minus strand). Cytogenetic location: 11q13.1.
Variant type: single nucleotide variant.
Coding change: c.1620+1G>T on transcript NM_005609.4 (MANE Select); the canonical splice donor site of the intron after coding-DNA position 1620, G replaced by T.
Molecular consequence: splice donor variant.
Genome position (GRCh38, 1-based): chr11:64,752,402, C>A on the plus strand (G>T on the coding strand, the complement: PYGM is on the minus strand). VCF-style: chr11-64752402-C-A. GRCh37 (hg19) VCF-style: chr11-64519874-C-A.
Other names: c.1356+1G>T (NM_001164716.1).
Identifiers: ClinVar variation 2830308 (VCV002830308.3), dbSNP rs1256894448, ClinGen allele CA381173415.